The following is an entry in ClinVar:

ClinVar aggregate classification (germline): Pathogenic. Review status: criteria provided, multiple submitters, no conflicts (2 of 4 stars). 10 submissions from 10 submitters: Pathogenic (9). 1 of the submissions does not count toward it. Last evaluated 2026-05-11.

Conditions:
Skeletal muscle channelopathy.
SCN4A-related disorder. Also called: SCN4A-related disorders.
Paramyotonia congenita of Von Eulenburg. Also called: Paramyotonia Congenita; PARALYSIS PERIODICA PARAMYOTONICA; Eulenburg disease; Myotonia congenita intermittens; Von Eulenburg paramyotonia congenita. Identifiers: Orphanet 684, MedGen C0221055, MONDO:0008195, OMIM 168300. Disease mechanism: loss of function.
Hyperkalemic periodic paralysis. Also called: Familial hyperkalemic periodic paralysis; Gamstorp disease. Identifiers: Orphanet 682, MedGen C0238357, MONDO:0008224, OMIM 170500, HP:0007215.

Allele frequency attached by ClinVar (database versions not stated): gnomAD 0.00001; gnomAD exomes 0.00001.
gnomAD v4.1: 14 of 1,611,152 alleles (0.00087%); highest among the groups gnomAD compares: South Asian, 0.0011%; no homozygotes.

Submissions (10):

Women's Health and Genetics/Laboratory Corporation of America, LabCorp
Classification: Pathogenic for Paramyotonia congenita of Von Eulenburg. Last evaluated: 2026-05-11. Review status: criteria provided, single submitter. Criteria: LabCorp Variant Classification Summary - May 2015. Collection method: clinical testing. Allele origin: germline.
Comment: Variant summary: SCN4A c.3877G>A (p.Val1293Ile) results in a conservative amino acid change in the encoded protein sequence. Algorithms developed to predict the effects of missense changes on protein structure and function are either unavailable or disagree on the potential impact of this missense change. The variant allele was found at a frequency of 8.7e-06 in 1611152 control chromosomes. c.3877G>A has been observed in multiple individuals in a heterozygous state affected with autosomal dominant paramyotonia congenita or atypical myotonia congenita (e.g. Koch_1995, Trivedi_2013, Magot_2014). It has also been observed to segregate with disease in related individuals. These data indicate that the variant is very likely to be associated with disease. At least one publication reports experimental evidence evaluating an impact on protein function; however, it does not allow convincing conclusions about the variant effect (Green_1996). The following publications have been ascertained in the context of this evaluation (PMID: 27486940, 9660885, 8580427, 24939454, 11744749, 23771340). ClinVar contains an entry for this variant (Variation ID: 5909). To our knowledge this variant has not been reported with autosomal recessive forms of SCN4A-related disorders. Based on the evidence outlined above, the variant was classified as pathogenic for Paramyotonia Congenita and Atypical Myotonia Congenita.

Labcorp Genetics (formerly Invitae), Labcorp
Classification: Pathogenic for Hyperkalemic periodic paralysis. Last evaluated: 2026-01-07. Review status: criteria provided, single submitter. Criteria: Invitae Variant Classification Sherloc (09022015). Collection method: clinical testing. Allele origin: germline.
Comment: This sequence change replaces valine, which is neutral and non-polar, with isoleucine, which is neutral and non-polar, at codon 1293 of the SCN4A protein (p.Val1293Ile). This variant is not present in population databases (gnomAD no frequency). This missense change has been observed in individuals with autosomal dominant paramyotonia congenita and myotonia congenita (PMID: 8580427, 23771340, 24939454, 27486940). It has also been observed to segregate with disease in related individuals. ClinVar contains an entry for this variant (Variation ID: 5909). Invitae Evidence Modeling of protein sequence and biophysical properties (such as structural, functional, and spatial information, amino acid conservation, physicochemical variation, residue mobility, and thermodynamic stability) indicates that this missense variant is expected to disrupt SCN4A protein function with a positive predictive value of 80%. Experimental studies have shown that this missense change affects SCN4A function (PMID: 9660885, 11744749). For these reasons, this variant has been classified as Pathogenic.

Genetics Laboratory, Great Ormond Street Hospital NHS Foundation Trust, North Thames Genomic Laboratory Hub
Classification: Pathogenic for Skeletal muscle channelopathy. Last evaluated: 2025-09-10. Review status: criteria provided, single submitter. Criteria: ACGS Best Practice Guidelines for Variant Classification in Rare Disease 2024 v1.2. Collection method: clinical testing. Allele origin: germline. Affected: yes.
Comment: PS4_moderate, PP3_supporting, PM5_supporting, PS3_moderate, PM1_moderate, PP1_strong

GeneDx
Classification: Pathogenic. Last evaluated: 2025-04-02. Review status: criteria provided, single submitter. Criteria: GeneDx Variant Classification Process June 2021. Collection method: clinical testing. Allele origin: germline. Affected: yes.
Comment: Reported previously in patients with mild to moderate myotonia and diagnoses of sodium channel myotonia and paramyotonia congenita with onset in the third decade; however, no further clinical or segregation information was provided (PMID: 30611854); Published functional studies indicate V1293I alters the voltage-dependent gating behavior of SCN4A (PMID: 9660885, 30611854); Not observed at significant frequency in large population cohorts (gnomAD); In silico analysis indicates that this missense variant does not alter protein structure/function; This variant is associated with the following publications: (PMID: 16193245, 29606556, 24939454, 28877545, 21221019, 16786525, 27486940, 28325641, 28662944, 32849172, 32660787, 8580427, 33263785, 11744749, 23771340, 24136861, 21387378, 30611854, 36796140, 9660885, 35350395)

Revvity Omics, Revvity
Classification: Pathogenic. Last evaluated: 2023-09-05. Review status: criteria provided, single submitter. Criteria: ACMG Guidelines, 2015. Collection method: clinical testing. Allele origin: germline.

CeGaT Center for Human Genetics Tuebingen
Classification: Pathogenic. Last evaluated: 2023-08-01. Review status: criteria provided, single submitter. Criteria: CeGaT Center For Human Genetics Tuebingen Variant Classification Criteria Version 2. Collection method: clinical testing. Allele origin: germline. Affected: yes. Observed: 4 variant alleles.
Comment: SCN4A: PP1:Strong, PM1, PM2, PS4:Moderate, PP3, PS3:Supporting

Athena Diagnostics
Classification: Pathogenic. Last evaluated: 2023-05-08. Review status: criteria provided, single submitter. Criteria: Athena Diagnostics Criteria. Collection method: clinical testing. Allele origin: unknown.
Comment: The frequency of this variant in the general population is consistent with pathogenicity. This variant has been identified in multiple unrelated individuals with paramyotonia congenita. This variant segregates with disease in multiple families. Assessment of experimental evidence suggests this variant results in abnormal protein function. (PMID: 9660885, 30611854)

Mayo Clinic Laboratories, Mayo Clinic
Classification: Pathogenic. Last evaluated: 2022-01-05. Review status: criteria provided, single submitter. Criteria: ACMG Guidelines, 2015. Collection method: clinical testing. Allele origin: germline.
Comment: PP1, PP3, PM2, PS3, PS4_moderate

Blueprint Genetics
Classification: Pathogenic for SCN4A-related disorders. Last evaluated: 2021-12-01. Review status: criteria provided, single submitter. Criteria: ACMG Guidelines, 2015. Collection method: clinical testing. Allele origin: germline. Affected: yes. Observed: 4 variant alleles.

OMIM
Classification: Pathogenic for PARAMYOTONIA CONGENITA. Last evaluated: 1995-10-23. Review status: no assertion criteria provided. Collection method: literature only. Allele origin: germline. Not counted in ClinVar's aggregate classification.

Literature cited by the submitters: PubMed 27486940 (cited by 4 submitters); PubMed 9660885 (cited by 4 submitters); PubMed 8580427 (cited by 5 submitters); PubMed 24939454 (cited by 4 submitters); PubMed 11744749 (cited by 3 submitters); PubMed 23771340 (cited by 3 submitters); PubMed 30611854 (cited by Athena Diagnostics and Mayo Clinic Laboratories, Mayo Clinic); PubMed 32849172 (cited by Athena Diagnostics and Mayo Clinic Laboratories, Mayo Clinic); PubMed 32660787 (cited by Athena Diagnostics and Mayo Clinic Laboratories, Mayo Clinic); PubMed 33263785 (cited by Athena Diagnostics); PubMed 35350395 (cited by Athena Diagnostics); PubMed 35866763 (cited by Athena Diagnostics); PubMed 33573884 (cited by Athena Diagnostics); PubMed 28325641 (cited by Athena Diagnostics); PubMed 29050397 (cited by Athena Diagnostics); PubMed 36782059 (cited by Athena Diagnostics); PubMed 28662944 (cited by Athena Diagnostics).

NM_000334.4(SCN4A):c.3877G>A (p.Val1293Ile)

Genes: GH-LCR (growth hormone locus control region; plus strand), SCN4A (sodium voltage-gated channel alpha subunit 4; minus strand). Cytogenetic location: 17q23.3.
Variant type: single nucleotide variant.
Coding change: c.3877G>A on transcript NM_000334.4 (MANE Select); coding-DNA position 3877, G replaced by A.
Protein change: p.Val1293Ile; replaces valine 1293 with isoleucine.
Molecular consequence: missense variant.
Genome position (GRCh38, 1-based): chr17:63,944,708, C>T on the plus strand (G>A on the coding strand, the complement: SCN4A is on the minus strand). VCF-style: chr17-63944708-C-T. GRCh37 (hg19) VCF-style: chr17-62022068-C-T.
Other names: short protein forms V1293I.
Identifiers: ClinVar variation 5909 (VCV000005909.67), dbSNP rs121908551, ClinGen allele CA117846.